The following is an entry in ClinVar:

NM_002230.4(JUP):c.2219C>T (p.Ala740Val)

Gene: JUP (junction plakoglobin; minus strand). Cytogenetic location: 17q21.2.
Variant type: single nucleotide variant.
Coding change: c.2219C>T on transcript NM_002230.4 (MANE Select); coding-DNA position 2219, C replaced by T.
Protein change: p.Ala740Val; replaces alanine 740 with valine.
Molecular consequence: missense variant.
Genome position (GRCh38, 1-based): chr17:41,755,763, G>A on the plus strand (C>T on the coding strand, the complement: JUP is on the minus strand). VCF-style: chr17-41755763-G-A. GRCh37 (hg19) VCF-style: chr17-39912015-G-A.
Other names: c.2219C>T, p.Ala740Val (NM_001352773.2, NM_001352774.2, NM_001352775.2 and 3 more transcripts); short protein forms A740V.
Identifiers: ClinVar variation 2180470 (VCV002180470.4), dbSNP rs1366673962, ClinGen allele CA399490252.
Genomic context (GRCh38, chr17:41,755,763, plus strand): 5'-GAAAAGCCTGCAAAGAGGGGGCCGTACTGGGGCCAGGCCGCCTAGGCCAGCATGTGGTCT[G>A]CAGTGGGGTACGGGGGCCTGAGGCCGTCGCTGTAGGTGTCGATGGGGTAGTCTCCATCCA-3'
Protein context (NP_002221.1, residues 730-745): SDGLRPPYPT[Ala740Val]DHMLA

ClinVar aggregate classification (germline): Uncertain significance (1 of 4 stars; one submission).

Conditions:
Naxos disease (NXD). Also called: WOOLLY HAIR, PALMOPLANTAR KERATODERMA, AND CARDIAC ABNORMALITIES; KERATOSIS PALMOPLANTARIS WITH ARRHYTHMOGENIC CARDIOMYOPATHY; MAL DE NAXOS; CARDIOMYOPATHY, ARRHYTHMOGENIC RIGHT VENTRICULAR, WITH SKIN, HAIR, AND NAIL ABNORMALITIES; PALMOPLANTAR KERATODERMA WITH ARRHYTHMOGENIC RIGHT VENTRICULAR CARDIOMYOPATHY AND WOOLLY HAIR. Identifiers: Orphanet 34217, MedGen C1832600, MONDO:0011017, OMIM 601214.
Arrhythmogenic right ventricular dysplasia 12. Also called: ARRHYTHMOGENIC RIGHT VENTRICULAR DYSPLASIA, FAMILIAL, 12. Identifiers: MedGen C1969081, MONDO:0012684, OMIM 611528.

Allele frequency attached by ClinVar (database versions not stated): gnomAD exomes below 0.00001; gnomAD 0.00001; TOPMed 0.00001.
gnomAD v4.1: 3 of 1,603,344 alleles (0.00019%); highest among the groups gnomAD compares: Non-Finnish European, 0.00026%; no homozygotes.

Submission:

Labcorp Genetics (formerly Invitae), Labcorp
Classification: Uncertain significance for Arrhythmogenic right ventricular dysplasia 12; Naxos disease. Last evaluated: 2022-04-09. Review status: criteria provided, single submitter. Criteria: Invitae Variant Classification Sherloc (09022015). Collection method: clinical testing. Allele origin: germline.
Comment: This sequence change replaces alanine, which is neutral and non-polar, with valine, which is neutral and non-polar, at codon 740 of the JUP protein (p.Ala740Val). The frequency data for this variant in the population databases is considered unreliable, as metrics indicate poor data quality at this position in the gnomAD database. This variant has not been reported in the literature in individuals affected with JUP-related conditions. Algorithms developed to predict the effect of missense changes on protein structure and function (SIFT, PolyPhen-2, Align-GVGD) all suggest that this variant is likely to be tolerated. In summary, the available evidence is currently insufficient to determine the role of this variant in disease. Therefore, it has been classified as a Variant of Uncertain Significance.